The following is an entry in ClinVar:

ClinVar aggregate classification (germline): Conflicting classifications of pathogenicity. Review status: criteria provided, conflicting classifications (1 of 4 stars). 3 submissions from 3 submitters: Uncertain significance (1); Likely benign (2). Last evaluated 2025-06-11.

Conditions:
FGD4-related disorder. Also called: FGD4-related condition.
Inborn genetic diseases. Identifiers: MedGen C0950123, MeSH D030342.
Charcot-Marie-Tooth disease type 4. Also called: Charcot-Marie-Tooth disease, type IV; Charcot-Marie-Tooth, Type 4. Identifiers: Orphanet 64749, MedGen C4082197, MONDO:0018995.

Allele frequency attached by ClinVar (database versions not stated): TOPMed 0.00003; gnomAD exomes below 0.00001 and 0.00001; ExAC 0.00001; gnomAD 0.00001 and 0.00003.
gnomAD v4.1: 13 of 1,614,094 alleles (0.00081%); highest among the groups gnomAD compares: Non-Finnish European, 0.0011%; no homozygotes.

Submissions (3):

PreventionGenetics, part of Exact Sciences
Classification: Likely benign for FGD4-related condition. Last evaluated: 2025-06-11. Review status: criteria provided, single submitter. Criteria: ACMG Guidelines, 2015. Collection method: clinical testing. Allele origin: germline.
Comment: This variant is classified as likely benign based on ACMG/AMP sequence variant interpretation guidelines (Richards et al. 2015 PMID: 25741868, with internal and published modifications).

Labcorp Genetics (formerly Invitae), Labcorp
Classification: Likely benign for Charcot-Marie-Tooth disease type 4. Last evaluated: 2022-06-29. Review status: criteria provided, single submitter. Criteria: Invitae Variant Classification Sherloc (09022015). Collection method: clinical testing. Allele origin: germline.

Ambry Genetics
Classification: Uncertain significance for Inborn genetic diseases. Last evaluated: 2022-02-14. Review status: criteria provided, single submitter. Criteria: Ambry Variant Classification Scheme 2023. Collection method: clinical testing. Allele origin: germline.
Comment: The c.2044-5T>G intronic variant results from a T to G substitution 5 nucleotides upstream from coding exon 15 in the FGD4 gene. This nucleotide position is not well conserved in available vertebrate species. In silico splice site analysis predicts that this alteration will not have any significant effect on splicing. Since supporting evidence is limited at this time, the clinical significance of this alteration remains unclear.

NM_001370298.3(FGD4):c.2455-5T>G

Gene: FGD4 (FYVE, RhoGEF and PH domain containing 4; plus strand). Cytogenetic location: 12p11.21.
Variant type: single nucleotide variant.
Coding change: c.2455-5T>G on transcript NM_001370298.3 (MANE Select); 5 bases into the intron before coding-DNA position 2455, T replaced by G.
Molecular consequence: intron variant.
Genome position (GRCh38, 1-based): chr12:32,640,271, T>G. VCF-style: chr12-32640271-T-G. GRCh37 (hg19) VCF-style: chr12-32793205-T-G.
Other names: c.2455-5T>G (NM_001384126.1); c.2299-5T>G (NM_001304481.2); c.1765-5T>G (NM_001330374.2, NM_001330373.2, NM_001384130.1); c.2044-5T>G (NM_139241.3, NM_001384127.1, NM_001385118.1 and 1 more transcripts); c.1012-5T>G (NM_001304484.2); c.1492-5T>G (NM_001370297.1).
Identifiers: ClinVar variation 1422341 (VCV001422341.9), dbSNP rs749267223, ClinGen allele CA6507106.